The following is an entry in ClinVar:

NM_000393.5(COL5A2):c.2770-6T>C

Gene: COL5A2 (collagen type V alpha 2 chain; minus strand). Cytogenetic location: 2q32.2.
Variant type: single nucleotide variant.
Coding change: c.2770-6T>C on transcript NM_000393.5 (MANE Select); 6 bases into the intron before coding-DNA position 2770, T replaced by C.
Molecular consequence: intron variant.
Genome position (GRCh38, 1-based): chr2:189,051,487, A>G on the plus strand (T>C on the coding strand, the complement: COL5A2 is on the minus strand). VCF-style: chr2-189051487-A-G. GRCh37 (hg19) VCF-style: chr2-189916213-A-G.
Other names: c.2770-6T>C (NM_000393.4).
Identifiers: ClinVar variation 511712 (VCV000511712.18), dbSNP rs770409954, ClinGen allele CA2022184.
Genomic context (GRCh38, chr2:189,051,487, plus strand): 5'-CTGGAGGTCCCTCCTTCCCGGGTTCCCCTAGGGGTCCCGCAGGTCCTGGAGCTCCCTAGT[A>G]TAACAAAGAAAGAAACACCAAGGAGGGCAAAATGGAAGGCAAGTAAGAGTGATTGACATA-3'

ClinVar aggregate classification (germline): Likely benign. Review status: criteria provided, multiple submitters, no conflicts (2 of 4 stars). 5 submissions from 5 submitters: Likely benign (4). 1 of the submissions does not count toward it. Last evaluated 2026-02-13.

Conditions:
COL5A2-related disorder. Also called: COL5A2-related condition.
Ehlers-Danlos syndrome, classic type, 1 (EDSCL1). Also called: Ehlers-Danlos syndrome, type 1; EHLERS-DANLOS SYNDROME, GRAVIS TYPE; EHLERS-DANLOS SYNDROME, SEVERE CLASSIC TYPE; Ehlers-Danlos Syndrome, Classic Type, COL5A1-Related; EDS I. Identifiers: MedGen C0268335, MONDO:0019567, OMIM 130000.

Allele frequency attached by ClinVar (database versions not stated): gnomAD exomes 0.00001 and 0.00003; ExAC 0.00003; gnomAD 0.00007; TOPMed 0.00011.
gnomAD v4.1: 30 of 1,597,244 alleles (0.0019%); highest among the groups gnomAD compares: Admixed American, 0.027%; no homozygotes.

Submissions (5):

Women's Health and Genetics/Laboratory Corporation of America, LabCorp
Classification: Likely benign. Last evaluated: 2026-02-13. Review status: criteria provided, single submitter. Criteria: LabCorp Variant Classification Summary - May 2015. Collection method: clinical testing. Allele origin: germline.

Labcorp Genetics (formerly Invitae), Labcorp
Classification: Likely benign for Ehlers-Danlos syndrome, classic type, 1. Last evaluated: 2025-11-08. Review status: criteria provided, single submitter. Criteria: Invitae Variant Classification Sherloc (09022015). Collection method: clinical testing. Allele origin: germline.

Blueprint Genetics
Classification: Likely benign. Last evaluated: 2021-07-15. Review status: criteria provided, single submitter. Criteria: ACMG Guidelines, 2015. Collection method: clinical testing. Allele origin: germline.

GeneDx
Classification: Likely benign. Last evaluated: 2019-03-18. Review status: criteria provided, single submitter. Criteria: GeneDx Variant Classification Process June 2021. Collection method: clinical testing. Allele origin: germline. Affected: yes.

PreventionGenetics, part of Exact Sciences
Classification: Likely benign for COL5A2-related condition. Last evaluated: 2019-05-23. Review status: no assertion criteria provided. Collection method: clinical testing. Allele origin: germline. Not counted in ClinVar's aggregate classification.
Comment: This variant is classified as likely benign based on ACMG/AMP sequence variant interpretation guidelines (Richards et al. 2015 PMID: 25741868, with internal and published modifications).